The following is an entry in ClinVar:

ClinVar aggregate classification (germline): Uncertain significance. Review status: criteria provided, multiple submitters, no conflicts (2 of 4 stars). 3 submissions from 3 submitters: Uncertain significance (3). Last evaluated 2025-08-27.

Conditions:
Inborn genetic diseases. Identifiers: MedGen C0950123, MeSH D030342.
Central core myopathy (CMYO1A). Also called: CONGENITAL MYOPATHY 1A, AUTOSOMAL DOMINANT, WITH SUSCEPTIBILITY TO MALIGNANT HYPERTHERMIA; Myopathy, central fibrillar; Central core disease. Identifiers: Orphanet 597, MedGen C5830701, MONDO:0007294, OMIM 117000.

Allele frequency attached by ClinVar (database versions not stated): TOPMed below 0.00001; gnomAD 0.00001.
gnomAD v4.1: 3 of 1,613,928 alleles (0.00019%); highest among the groups gnomAD compares: Non-Finnish European, 0.00025%; no homozygotes.

Submissions (3):

Ambry Genetics
Classification: Uncertain significance for Inborn genetic diseases. Last evaluated: 2025-08-27. Review status: criteria provided, single submitter. Criteria: Ambry Variant Classification Scheme 2023. Collection method: clinical testing. Allele origin: germline.

GeneDx
Classification: Uncertain significance. Last evaluated: 2023-10-03. Review status: criteria provided, single submitter. Criteria: GeneDx Variant Classification Process June 2021. Collection method: clinical testing. Allele origin: germline. Affected: yes.
Comment: Not observed at significant frequency in large population cohorts (gnomAD); In silico analysis supports that this missense variant does not alter protein structure/function; Has not been previously published as pathogenic or benign to our knowledge; This variant is associated with the following publications: (PMID: 33767344)

MGZ Medical Genetics Center
Classification: Uncertain significance for Central core myopathy. Last evaluated: 2021-11-29. Review status: criteria provided, single submitter. Criteria: ACMG Guidelines, 2015. Collection method: clinical testing. Allele origin: germline. Affected: yes. Observed: 1 variant allele.
Comment: ACMG criteria applied: PM2_SUP

NM_000540.3(RYR1):c.1492A>T (p.Thr498Ser)

Genes: RYR1 (ryanodine receptor 1; plus strand), LOC129391106 (MPRA-validated peak3472 silencer; plus strand). Cytogenetic location: 19q13.2.
Variant type: single nucleotide variant.
Coding change: c.1492A>T on transcript NM_000540.3 (MANE Select); coding-DNA position 1492, A replaced by T.
Protein change: p.Thr498Ser; replaces threonine 498 with serine.
Molecular consequence: missense variant.
Genome position (GRCh38, 1-based): chr19:38,455,286, A>T. VCF-style: chr19-38455286-A-T. GRCh37 (hg19) VCF-style: chr19-38945926-A-T.
Other names: c.1492A>T, p.Thr498Ser (NM_001042723.2); short protein forms T498S.
Identifiers: ClinVar variation 1708990 (VCV001708990.4), dbSNP rs1284376538, ClinGen allele CA405688799.